The following is an entry in ClinVar:

ClinVar aggregate classification (germline): Likely benign. Review status: criteria provided, single submitter (1 of 4 stars). 2 submissions from 2 submitters: Likely benign (1). 1 of the submissions does not count toward it. Last evaluated 2022-08-23.

Conditions:
SCN11A-related disorder. Also called: SCN11A-related condition.
Hereditary sensory and autonomic neuropathy type 7. Also called: Neuropathy, hereditary sensory and autonomic, type VII; HSAN VII. Identifiers: Orphanet 391397, MedGen C3809882, MONDO:0014244, OMIM 615548.
Familial episodic pain syndrome with predominantly lower limb involvement. Also called: Episodic pain syndrome, familial, 3. Identifiers: Orphanet 391384, Orphanet 391392, MedGen C3809899, MONDO:0014247, OMIM 615552.

Allele frequency attached by ClinVar (database versions not stated): gnomAD exomes below 0.00001 and 0.00001; TOPMed below 0.00001.
gnomAD v4.1: 3 of 1,614,060 alleles (0.00019%); highest among the groups gnomAD compares: Middle Eastern, 0.016%; no homozygotes.

Submissions (2):

Labcorp Genetics (formerly Invitae), Labcorp
Classification: Likely benign for Familial episodic pain syndrome with predominantly lower limb involvement; Hereditary sensory and autonomic neuropathy type 7. Last evaluated: 2022-08-23. Review status: criteria provided, single submitter. Criteria: Invitae Variant Classification Sherloc (09022015). Collection method: clinical testing. Allele origin: germline.

PreventionGenetics, part of Exact Sciences
Classification: Likely benign for SCN11A-related condition. Last evaluated: 2020-04-13. Review status: no assertion criteria provided. Collection method: clinical testing. Allele origin: germline. Not counted in ClinVar's aggregate classification.
Comment: This variant is classified as likely benign based on ACMG/AMP sequence variant interpretation guidelines (Richards et al. 2015 PMID: 25741868, with internal and published modifications).

NM_001349253.2(SCN11A):c.5046C>T (p.Cys1682=)

Gene: SCN11A (sodium voltage-gated channel alpha subunit 11; minus strand). Cytogenetic location: 3p22.2.
Variant type: single nucleotide variant.
Coding change: c.5046C>T on transcript NM_001349253.2 (MANE Select); coding-DNA position 5046, C replaced by T.
Protein change: p.Cys1682=; no amino-acid change (cysteine 1682 retained).
Molecular consequence: synonymous variant.
Genome position (GRCh38, 1-based): chr3:38,847,024, G>A on the plus strand (C>T on the coding strand, the complement: SCN11A is on the minus strand). VCF-style: chr3-38847024-G-A. GRCh37 (hg19) VCF-style: chr3-38888515-G-A.
Other names: c.5046C>T, p.Cys1682= (NM_014139.3).
Identifiers: ClinVar variation 858944 (VCV000858944.8), dbSNP rs1270589135, ClinGen allele CA433335338.